The following is an entry in ClinVar:

ClinVar aggregate classification (germline): Uncertain significance (1 of 4 stars; one submission).

Submission:

Labcorp Genetics (formerly Invitae), Labcorp
Classification: Uncertain significance. Last evaluated: 2021-08-31. Review status: criteria provided, single submitter. Criteria: Invitae Variant Classification Sherloc (09022015). Collection method: clinical testing. Allele origin: germline.
Comment: This variant, c.931_933del, results in the deletion of 1 amino acid(s) of the DHX38 protein (p.Glu311del), but otherwise preserves the integrity of the reading frame. This variant is not present in population databases (ExAC no frequency). This variant has not been reported in the literature in individuals affected with DHX38-related conditions. Experimental studies and prediction algorithms are not available or were not evaluated, and the functional significance of this variant is currently unknown. In summary, the available evidence is currently insufficient to determine the role of this variant in disease. Therefore, it has been classified as a Variant of Uncertain Significance.

NM_014003.4(DHX38):c.925GAG[2] (p.Glu311del)

Gene: DHX38 (DEAH-box helicase 38; plus strand). Cytogenetic location: 16q22.2.
Variant type: Microsatellite.
Coding change: c.925GAG[2] on transcript NM_014003.4 (MANE Select); two copies in a row of the 3-base unit GAG starting at c.925; the reference has three copies in a row; one copy, 3 bases deleted.
Protein change: p.Glu311del; deletes glutamic acid 311.
Molecular consequence: inframe deletion.
Genome position (GRCh38, 1-based): chr16:72,099,251-72,099,253, GAG deleted; deleting any 3 consecutive bases within chr16:72,099,244-72,099,253 gives the same sequence; the position shown is the placement nearest the transcript's 3' end. VCF-style (leftmost placement, unchanged base first): chr16-72099243-CGGA-C. GRCh37 (hg19) VCF-style: chr16-72133142-CGGA-C.
Other names: short protein forms E311del.
Identifiers: ClinVar variation 1047708 (VCV001047708.6), dbSNP rs2042064243, ClinGen allele CA2231565223.